The following is an entry in ClinVar:

ClinVar aggregate classification (germline): Likely pathogenic (1 of 4 stars; one submission).

Submission:

Labcorp Genetics (formerly Invitae), Labcorp
Classification: Likely pathogenic. Last evaluated: 2024-02-24. Review status: criteria provided, single submitter. Criteria: Invitae Variant Classification Sherloc (09022015). Collection method: clinical testing. Allele origin: germline.
Comment: This sequence change affects an acceptor splice site in intron 2 of the ERCC6 gene. It is expected to disrupt RNA splicing. Variants that disrupt the donor or acceptor splice site typically lead to a loss of protein function (PMID: 16199547), and loss-of-function variants in ERCC6 are known to be pathogenic (PMID: 18628313, 29572252). This variant is not present in population databases (gnomAD no frequency). This variant has not been reported in the literature in individuals affected with ERCC6-related conditions. ClinVar contains an entry for this variant (Variation ID: 1498007). Algorithms developed to predict the effect of sequence changes on RNA splicing suggest that this variant may disrupt the consensus splice site. In summary, the currently available evidence indicates that the variant is pathogenic, but additional data are needed to prove that conclusively. Therefore, this variant has been classified as Likely Pathogenic.

Literature cited by the submitters: PubMed 16199547; PubMed 18628313; PubMed 29572252.

NM_000124.4(ERCC6):c.423-2A>G

Gene: ERCC6 (ERCC excision repair 6, chromatin remodeling factor; minus strand). Cytogenetic location: 10q11.23.
Variant type: single nucleotide variant.
Coding change: c.423-2A>G on transcript NM_000124.4 (MANE Select); the canonical splice acceptor site of the intron before coding-DNA position 423, A replaced by G.
Molecular consequence: splice acceptor variant.
Genome position (GRCh38, 1-based): chr10:49,530,842, T>C on the plus strand (A>G on the coding strand, the complement: ERCC6 is on the minus strand). VCF-style: chr10-49530842-T-C. GRCh37 (hg19) VCF-style: chr10-50738888-T-C.
Other names: c.423-2A>G (NM_001346440.2, NM_001277059.2, NM_001277058.2).
Identifiers: ClinVar variation 1498007 (VCV001498007.8), dbSNP rs2132635786, ClinGen allele CA376710758.
Genomic context (GRCh38, chr10:49,530,842, plus strand): 5'-CTTGAGGGCTAAGCTGTTCAATAATTTTATTGATTTGCCTTAGGGATGTCGTACATGACC[T>C]GAAAAATAAGATAAATTGTCTATTTTGCACTCTGATAACATTTTTATAGCATAATATAAA-3'